The following is an entry in ClinVar:

ClinVar aggregate classification (germline): Benign. Review status: criteria provided, multiple submitters, no conflicts (2 of 4 stars). 2 submissions from 2 submitters: Benign (2). Last evaluated 2018-01-13.

Conditions:
Seizures, benign familial neonatal, 2. Also called: CONVULSIONS, BENIGN FAMILIAL NEONATAL, 2; KCNQ3-Related Benign Familial Neonatal Epilepsy; Benign Neonatal Epilepsy 2; Seizures, benign neonatal, 2; KCNQ3-Related Self-Limited Familial Neonatal Epilepsy (SLFNE). Identifiers: Orphanet 1949, MedGen C1852581, MONDO:0007366, OMIM 121201.

Allele frequency attached by ClinVar (database versions not stated): gnomAD exomes 0.25000; gnomAD 0.25405; TOPMed 0.25648; 1000 Genomes Project 0.26538; 1000 Genomes Project 30x 0.26624.
gnomAD v4.1: 40,230 of 152,018 alleles (26%); highest among the groups gnomAD compares: Middle Eastern, 42%; 5,495 homozygotes.

Submissions (4):

Illumina Laboratory Services, Illumina
Classification: Benign for Seizures, benign familial neonatal, 2. Last evaluated: 2018-01-13. Review status: criteria provided, single submitter. Criteria: ICSL Variant Classification Criteria 13 December 2019. Collection method: clinical testing. Allele origin: germline.
Comment: This variant was observed in the ICSL laboratory as part of a predisposition screen in an ostensibly healthy population. It had not been previously curated by ICSL or reported in the Human Gene Mutation Database (HGMD: prior to June 1st, 2018), and was therefore a candidate for classification through an automated scoring system. Utilizing variant allele frequency, disease prevalence and penetrance estimates, and inheritance mode, an automated score was calculated to assess if this variant is too frequent to cause the disease. Based on the score and internal cut-off values, a variant classified as benign is not then subjected to further curation. The score for this variant resulted in a classification of benign for this disease.

Breakthrough Genomics
Classification: Benign. Review status: criteria provided, single submitter. Criteria: ACMG Guidelines, 2015. Collection method: not provided. Allele origin: germline. Inheritance: Autosomal dominant inheritance. Affected: yes.

Dr. Peter K. Rogan Lab, Western University
No classification provided (evidence only). Condition: Uterine corpus endometrial carcinoma. Review status: no classification provided. Collection method: in vitro. Allele origin: not applicable. Functional consequence: retained intron. Not counted in ClinVar's aggregate classification.

Dr. Peter K. Rogan Lab, Western University
No classification provided (evidence only). Condition: Cervical cancer. Review status: no classification provided. Collection method: in vitro. Allele origin: not applicable. Functional consequence: retained intron. Not counted in ClinVar's aggregate classification.

NM_004519.4(KCNQ3):c.*6282A>T

Gene: KCNQ3 (potassium voltage-gated channel subfamily Q member 3; minus strand). Cytogenetic location: 8q24.22.
Variant type: single nucleotide variant.
Coding change: c.*6282A>T on transcript NM_004519.4 (MANE Select); 6282 bases downstream of the stop codon, A replaced by T.
Molecular consequence: 3 prime UTR variant.
Genome position (GRCh38, 1-based): chr8:132,122,980, T>A on the plus strand (A>T on the coding strand, the complement: KCNQ3 is on the minus strand). VCF-style: chr8-132122980-T-A. GRCh37 (hg19) VCF-style: chr8-133135227-T-A.
Other names: NC_000008.10:g.133135227T>A; c.*6282A>T (NM_001204824.2).
Identifiers: ClinVar variation 361777 (VCV000361777.8), dbSNP rs10095295, ClinGen allele CA10630138.